The following is an entry in ClinVar:

NM_001379200.1(TBX1):c.170C>G (p.Pro57Arg)

Gene: TBX1 (T-box transcription factor 1; plus strand). Cytogenetic location: 22q11.21.
Variant type: single nucleotide variant.
Coding change: c.170C>G on transcript NM_001379200.1 (MANE Select); coding-DNA position 170, C replaced by G.
Protein change: p.Pro57Arg; replaces proline 57 with arginine.
Molecular consequence: missense variant.
Genome position (GRCh38, 1-based): chr22:19,761,013, C>G. VCF-style: chr22-19761013-C-G. GRCh37 (hg19) VCF-style: chr22-19748536-C-G.
Other names: c.143C>G, p.Pro48Arg (NM_005992.1, NM_080646.2, NM_080647.1); short protein forms P57R, P48R.
Identifiers: ClinVar variation 1772677 (VCV001772677.2), dbSNP rs1331104618, ClinGen allele CA410681296.
Genomic context (GRCh38, chr22:19,761,013, plus strand): 5'-CGGGCGCCGCGTCGCCCGGCGCCGACCCGTACGGCCCGCGCGAGCCCCCGCCGCCGCCGC[C>G]GCGCTACGACCCGTGCGCCGCCGCCGCCCCCGGCGCCCCGGGCCCGCCGCCGCCGCCGCA-3'
Protein context (NP_001366129.1, residues 47-67): YGPREPPPPP[Pro57Arg]RYDPCAAAAP

ClinVar aggregate classification (germline): Uncertain significance (1 of 4 stars; one submission).

Conditions:
Cardiovascular phenotype. Identifiers: MedGen CN230736.

Submission:

Ambry Genetics
Classification: Uncertain significance for Cardiovascular phenotype. Last evaluated: 2021-12-23. Review status: criteria provided, single submitter. Criteria: Ambry Variant Classification Scheme 2023. Collection method: clinical testing. Allele origin: germline.
Comment: The p.P48R variant (also known as c.143C>G), located in coding exon 2 of the TBX1 gene, results from a C to G substitution at nucleotide position 143. The proline at codon 48 is replaced by arginine, an amino acid with dissimilar properties. This amino acid position is conserved. In addition, this alteration is predicted to be tolerated by in silico analysis. Since supporting evidence is limited at this time, the clinical significance of this alteration remains unclear.